The following is an entry in ClinVar:

NC_000015.9:g.(?_72637535)_(72639061_?)del

Gene: HEXA (hexosaminidase subunit alpha; minus strand). Cytogenetic location: 15q23.
Variant type: Deletion.
Identifiers: ClinVar variation 2423196 (VCV002423196.3).

ClinVar aggregate classification (germline): Pathogenic (1 of 4 stars; one submission).

Conditions:
Tay-Sachs disease (TSD). Also called: HEXA DEFICIENCY; HEXA Disorders; GM2 gangliosidosis, type 1; Hexosaminidase alpha-subunit deficiency (variant B); Sphingolipidosis, Tay-Sachs; Hexosaminidase A Deficiency. Identifiers: Orphanet 845, MedGen C0039373, MONDO:0010100, OMIM 272800.

Submission:

Labcorp Genetics (formerly Invitae), Labcorp
Classification: Pathogenic for Tay-Sachs disease. Last evaluated: 2022-09-28. Review status: criteria provided, single submitter. Criteria: Invitae Variant Classification Sherloc (09022015). Collection method: clinical testing. Allele origin: germline.
Comment: This variant is a gross deletion of the genomic region encompassing exon(s) 11-13 of the HEXA gene. While this deletion is not anticipated to lead to nonsense mediated decay, it is expected to disrupt the C-terminus of the protein. This variant has not been reported in the literature in individuals affected with HEXA-related conditions. This variant disrupts a region of the HEXA protein in which other variant(s) (p.Leu517Profs*7) have been determined to be pathogenic (Invitae). This suggests that this is a clinically significant region of the protein, and that variants that disrupt it are likely to be disease-causing. For these reasons, this variant has been classified as Pathogenic.